The following is an entry in ClinVar:

ClinVar aggregate classification (germline): Conflicting classifications of pathogenicity. Review status: criteria provided, conflicting classifications (1 of 4 stars). 4 submissions from 4 submitters: Uncertain significance (2); Likely benign (1). 1 of the submissions does not count toward it. Last evaluated 2025-10-26.

Conditions:
Inborn genetic diseases. Identifiers: MedGen C0950123, MeSH D030342.
COL11A2-related disorder. Also called: COL11A2-related disorders; COL11A2-related condition.

Allele frequency attached by ClinVar (database versions not stated): TOPMed 0.00002; ExAC 0.00003; gnomAD 0.00003.
gnomAD v4.1: 124 of 1,613,554 alleles (0.0077%); highest among the groups gnomAD compares: Non-Finnish European, 0.0098%; no homozygotes.

Submissions (4):

Labcorp Genetics (formerly Invitae), Labcorp
Classification: Likely benign. Last evaluated: 2025-10-26. Review status: criteria provided, single submitter. Criteria: Invitae Variant Classification Sherloc (09022015). Collection method: clinical testing. Allele origin: germline.

Ambry Genetics
Classification: Uncertain significance for Inborn genetic diseases. Last evaluated: 2025-05-20. Review status: criteria provided, single submitter. Criteria: Ambry Variant Classification Scheme 2023. Collection method: clinical testing. Allele origin: germline.

Blueprint Genetics
Classification: Uncertain significance. Last evaluated: 2023-06-12. Review status: criteria provided, single submitter. Criteria: ACMG Guidelines, 2015. Collection method: clinical testing. Allele origin: germline.

PreventionGenetics, part of Exact Sciences
Classification: Uncertain significance for COL11A2-related condition. Last evaluated: 2024-09-22. Review status: no assertion criteria provided. Collection method: clinical testing. Allele origin: germline. Not counted in ClinVar's aggregate classification.
Comment: The COL11A2 c.4387C>T variant is predicted to result in the amino acid substitution p.Leu1463Phe. To our knowledge, this variant has not been reported in the literature. This variant is reported in 0.011% of alleles in individuals of Latino descent in gnomAD. At this time, the clinical significance of this variant is uncertain due to the absence of conclusive functional and genetic evidence.

NM_080680.3(COL11A2):c.4387C>T (p.Leu1463Phe)

Gene: COL11A2 (collagen type XI alpha 2 chain; minus strand). Cytogenetic location: 6p21.32.
Variant type: single nucleotide variant.
Coding change: c.4387C>T on transcript NM_080680.3 (MANE Select); coding-DNA position 4387, C replaced by T.
Protein change: p.Leu1463Phe; replaces leucine 1463 with phenylalanine.
Molecular consequence: missense variant.
Genome position (GRCh38, 1-based): chr6:33,166,518, G>A on the plus strand (C>T on the coding strand, the complement: COL11A2 is on the minus strand). VCF-style: chr6-33166518-G-A. GRCh37 (hg19) VCF-style: chr6-33134295-G-A.
Other names: c.4387C>T (NM_080680.2); c.4066C>T, p.Leu1356Phe (NM_080679.3); c.4129C>T, p.Leu1377Phe (NM_080681.3); short protein forms L1377F, L1463F, L1356F.
Identifiers: ClinVar variation 2081736 (VCV002081736.9), dbSNP rs780582885, ClinGen allele CA3750115.
Genomic context (GRCh38, chr6:33,166,518, plus strand): 5'-GGTGGGCAGCAGAGGGGTTTAGGGGATTTTGTGGAGGAACAGAGGCAGTACTCACGGGGA[G>A]GCCGGGGGGACCTCCAGGACCAATGGGGCCGGATGCTCCTGGGATACCCTAGGAAGGGTA-3'
Protein context (NP_542411.2, residues 1453-1473): GPIGPGGPPG[Leu1463Phe]PGPAGPKGAK